The following is an entry in ClinVar:

NM_016580.4(PCDH12):c.2861_2862del (p.Val954fs)

Genes: PCDH12 (protocadherin 12; minus strand), RNF14 (ring finger protein 14; plus strand). Cytogenetic location: 5q31.3.
Variant type: Microsatellite.
Coding change: c.2861_2862del on transcript NM_016580.4 (MANE Select); coding-DNA positions 2861 to 2862, 2 bases deleted (TG; older notation c.2861_2862delTG).
Protein change: p.Val954fs; shifts the reading frame from valine 954.
Molecular consequence: frameshift variant.
Genome position (GRCh38, 1-based): chr5:141,954,990-141,954,991, CA deleted on the plus strand (TG on the coding strand, the reverse complement: PCDH12 is on the minus strand); deleting any 2 consecutive bases within chr5:141,954,990-141,954,993 gives the same sequence; the c. name uses the placement nearest the transcript's 3' end. VCF-style (leftmost placement, unchanged base first): chr5-141954989-CCA-C. GRCh37 (hg19) VCF-style: chr5-141334554-CCA-C.
Other names: short protein forms V954fs.
Identifiers: ClinVar variation 4880672 (VCV004880672.2).

ClinVar aggregate classification (germline): Likely pathogenic (1 of 4 stars; one submission).

Conditions:
Diencephalic-mesencephalic junction dysplasia syndrome 1 (DMJDS1). Also called: Microcephaly with spastic quadriplegia. Identifiers: MedGen C4538630, MONDO:0009625, OMIM 251280.

Submission:

Dasa
Classification: Likely pathogenic for Diencephalic-mesencephalic junction dysplasia syndrome 1. Last evaluated: 2025-02-02. Review status: criteria provided, single submitter. Criteria: DASA Assertion Criteria. Collection method: clinical testing. Allele origin: germline.
Comment: NM_016580.4(PCDH12):c.2861_2862del (p.Val954Glyfs*30) is a frameshift variant in PCDH12 predicted to alter the reading frame and introduce a premature termination codon and is predicted to result in an absent or altered protein product. Loss of function is an established disease mechanism for PCDH12-associated disorders. Also, this variant is rare in population databases. Based on the currently available evidence, this variant is classified as likely pathogenic.